The following is an entry in ClinVar:

ClinVar aggregate classification (germline): Uncertain significance. Review status: criteria provided, multiple submitters, no conflicts (2 of 4 stars). 2 submissions from 2 submitters: Uncertain significance (2). Last evaluated 2025-12-08.

Conditions:
Hereditary cancer-predisposing syndrome. Also called: Tumor predisposition; Hereditary Cancer Syndrome; Hereditary neoplastic syndrome; Neoplastic Syndromes, Hereditary. Identifiers: Orphanet 140162, MedGen C0027672, MeSH D009386, MONDO:0015356.
Familial adenomatous polyposis 2. Also called: FAP type 2; MUTYH Polyposis; COLORECTAL ADENOMATOUS POLYPOSIS, AUTOSOMAL RECESSIVE; ADENOMAS, MULTIPLE COLORECTAL, AUTOSOMAL RECESSIVE; MUTYH-associated polyposis; MUTYH-related attenuated familial adenomatous polyposis. Identifiers: Orphanet 220460, Orphanet 247798, MedGen C3272841, MONDO:0012041, OMIM 608456.

Submissions (2):

Color Diagnostics, LLC DBA Color Health
Classification: Uncertain significance for Hereditary cancer-predisposing syndrome. Last evaluated: 2025-12-08. Review status: criteria provided, single submitter. Criteria: ACMG Guidelines, 2015. Collection method: clinical testing. Allele origin: germline.
Comment: This missense variant replaces leucine with valine at codon 285 of the MUTYH protein. Computational prediction suggests that this variant may have deleterious impact on protein structure and function. To our knowledge, functional studies have not been reported for this variant. This variant has not been reported in individuals affected with MUTYH-related disorders in the literature. This variant has not been identified in the general population by the Genome Aggregation Database (gnomAD). The available evidence is insufficient to determine the role of this variant in disease conclusively. Therefore, this variant is classified as a Variant of Uncertain Significance.

Labcorp Genetics (formerly Invitae), Labcorp
Classification: Uncertain significance for Familial adenomatous polyposis 2. Last evaluated: 2022-02-25. Review status: criteria provided, single submitter. Criteria: Invitae Variant Classification Sherloc (09022015). Collection method: clinical testing. Allele origin: germline.
Comment: This sequence change replaces leucine, which is neutral and non-polar, with valine, which is neutral and non-polar, at codon 285 of the MUTYH protein (p.Leu285Val). In summary, the available evidence is currently insufficient to determine the role of this variant in disease. Therefore, it has been classified as a Variant of Uncertain Significance. Algorithms developed to predict the effect of sequence changes on RNA splicing suggest that this variant may disrupt the consensus splice site. Algorithms developed to predict the effect of missense changes on protein structure and function (SIFT, PolyPhen-2, Align-GVGD) all suggest that this variant is likely to be disruptive. ClinVar contains an entry for this variant (Variation ID: 835662). This variant has not been reported in the literature in individuals affected with MUTYH-related conditions. This variant is not present in population databases (gnomAD no frequency).

NM_001048174.2(MUTYH):c.769C>G (p.Leu257Val)

Gene: MUTYH (mutY DNA glycosylase; minus strand). Cytogenetic location: 1p34.1.
Variant type: single nucleotide variant.
Coding change: c.769C>G on transcript NM_001048174.2 (MANE Select); coding-DNA position 769, C replaced by G.
Protein change: p.Leu257Val; replaces leucine 257 with valine.
Molecular consequence: missense variant. On other transcripts: non-coding transcript variant (2).
Genome position (GRCh38, 1-based): chr1:45,332,246, G>C on the plus strand (C>G on the coding strand, the complement: MUTYH is on the minus strand). VCF-style: chr1-45332246-G-C. GRCh37 (hg19) VCF-style: chr1-45797918-G-C.
Other names: c.769C>G, p.Leu257Val (NM_001048171.2, NM_001048173.2, NM_001293195.2); c.772C>G, p.Leu258Val (NM_001048172.2); c.853C>G, p.Leu285Val (NM_001128425.2); c.814C>G, p.Leu272Val (NM_001293190.2); c.802C>G, p.Leu268Val (NM_001293191.2); c.493C>G, p.Leu165Val (NM_001293192.2, NM_001293196.2); c.424C>G, p.Leu142Val (NM_001350650.2, NM_001350651.2); c.844C>G, p.Leu282Val (NM_012222.3); short protein forms L257V, L272V, L142V, L258V, L268V, L165V, L282V, L285V.
Identifiers: ClinVar variation 835662 (VCV000835662.9), dbSNP rs1570402068, ClinGen allele CA340134568.